The following is an entry in ClinVar:

NM_001177599.2(SUCLG2):c.1245T>A (p.Asn415Lys)

Gene: SUCLG2 (succinate-CoA ligase GDP-forming subunit beta; minus strand). Cytogenetic location: 3p14.1.
Variant type: single nucleotide variant.
Coding change: c.1245T>A on transcript NM_001177599.2; coding-DNA position 1245, T replaced by A.
Protein change: p.Asn415Lys; replaces asparagine 415 with lysine.
Molecular consequence: missense variant.
Genome position (GRCh38, 1-based): chr3:67,360,707, A>T on the plus strand (T>A on the coding strand, the complement: SUCLG2 is on the minus strand). VCF-style: chr3-67360707-A-T. GRCh37 (hg19) VCF-style: chr3-67411131-A-T.
Other names: short protein forms N415K.
Identifiers: ClinVar variation 1394676 (VCV001394676.9), dbSNP rs192811331, ClinGen allele CA2485690.

ClinVar aggregate classification (germline): Uncertain significance. Review status: criteria provided, multiple submitters, no conflicts (2 of 4 stars). 3 submissions from 3 submitters: Uncertain significance (2). 1 of the submissions does not count toward it. Last evaluated 2026-01-06.

Conditions:
SUCLG2-related disorder. Also called: SUCLG2-related condition.

Allele frequency attached by ClinVar (database versions not stated): 1000 Genomes Project 30x 0.00062; ExAC 0.00114; TOPMed 0.00120; 1000 Genomes Project 0.00080; gnomAD 0.00111 and 0.00109; gnomAD exomes 0.00110.
gnomAD v4.1: 3,180 of 1,531,746 alleles (0.21%); highest among the groups gnomAD compares: Non-Finnish European, 0.26%; 6 homozygotes.

Submissions (3):

Labcorp Genetics (formerly Invitae), Labcorp
Classification: Uncertain significance. Last evaluated: 2026-01-06. Review status: criteria provided, single submitter. Criteria: Invitae Variant Classification Sherloc (09022015). Collection method: clinical testing. Allele origin: germline.
Comment: This sequence change replaces asparagine, which is neutral and polar, with lysine, which is basic and polar, at codon 415 of the SUCLG2 protein (p.Asn415Lys). This variant is present in population databases (rs192811331, gnomAD 0.2%), and has an allele count higher than expected for a pathogenic variant. This variant has not been reported in the literature in individuals affected with SUCLG2-related conditions. ClinVar contains an entry for this variant (Variation ID: 1394676). An algorithm developed to predict the effect of missense changes on protein structure and function (PolyPhen-2) suggests that this variant is likely to be tolerated. In summary, the available evidence is currently insufficient to determine the role of this variant in disease. Therefore, it has been classified as a Variant of Uncertain Significance.

Breakthrough Genomics
Classification: Uncertain significance. Review status: criteria provided, single submitter. Criteria: ACMG Guidelines, 2015. Collection method: not provided. Allele origin: germline. Inheritance: Unknown mechanism. Affected: yes.

PreventionGenetics, part of Exact Sciences
Classification: Likely benign for SUCLG2-related condition. Last evaluated: 2020-06-04. Review status: no assertion criteria provided. Collection method: clinical testing. Allele origin: germline. Not counted in ClinVar's aggregate classification.
Comment: This variant is classified as likely benign based on ACMG/AMP sequence variant interpretation guidelines (Richards et al. 2015 PMID: 25741868, with internal and published modifications).